The following is an entry in ClinVar:

NM_000540.3(RYR1):c.983G>A (p.Arg328Gln)

Gene: RYR1 (ryanodine receptor 1; plus strand). Cytogenetic location: 19q13.2.
Variant type: single nucleotide variant.
Coding change: c.983G>A on transcript NM_000540.3 (MANE Select); coding-DNA position 983, G replaced by A.
Protein change: p.Arg328Gln; replaces arginine 328 with glutamine.
Molecular consequence: missense variant.
Genome position (GRCh38, 1-based): chr19:38,448,674, G>A. VCF-style: chr19-38448674-G-A. GRCh37 (hg19) VCF-style: chr19-38939314-G-A.
Other names: c.983G>A, p.Arg328Gln (NM_001042723.2); short protein forms R328Q.
Identifiers: ClinVar variation 559646 (VCV000559646.15), dbSNP rs755875230, ClinGen allele CA074218.

ClinVar aggregate classification (germline): Conflicting classifications of pathogenicity. Review status: criteria provided, conflicting classifications (1 of 4 stars). 8 submissions from 8 submitters: Likely pathogenic (1); Uncertain significance (6). 1 of the submissions does not count toward it. Last evaluated 2026-09-11.

Conditions:
Malignant hyperthermia, susceptibility to, 1 (MHS1). Also called: Anesthesia related hyperthermia; Malignant hyperpyrexia; Fulminating hyperpyrexia; Pharmacogenic myopathy; RYR1-Related Malignant Hyperthermia Susceptibility; Malignant hyperthermia suceptibility 1. Identifiers: Orphanet 423, MedGen C2930980, MONDO:0007783, OMIM 145600.
RYR1-related disorder. Also called: RYR1-related disorders; RYR1-related condition. Identifiers: MedGen CN239331.

Allele frequency attached by ClinVar (database versions not stated): TOPMed below 0.00001; ExAC 0.00001; gnomAD exomes 0.00001.
gnomAD v4.1: 6 of 1,614,242 alleles (0.00037%); highest among the groups gnomAD compares: East Asian, 0.0022%; no homozygotes.

Submissions (8):

GeneDx
Classification: Likely pathogenic. Last evaluated: 2026-09-11. Review status: criteria provided, single submitter. Criteria: GeneDx Variant Classification Process June 2021. Collection method: clinical testing. Allele origin: germline.
Comment: Not observed at significant frequency in large population cohorts (gnomAD); In silico analysis suggests that this missense variant does not alter protein structure/function; Has not been previously published as pathogenic or benign to our knowledge; This variant is associated with the following publications: (PMID: 33767344)

Labcorp Genetics (formerly Invitae), Labcorp
Classification: Uncertain significance for RYR1-related disorder. Last evaluated: 2025-12-01. Review status: criteria provided, single submitter. Criteria: Invitae Variant Classification Sherloc (09022015). Collection method: clinical testing. Allele origin: germline.
Comment: This sequence change replaces arginine, which is basic and polar, with glutamine, which is neutral and polar, at codon 328 of the RYR1 protein (p.Arg328Gln). This variant is present in population databases (rs755875230, gnomAD 0.0009%). This variant has not been reported in the literature in individuals affected with RYR1-related conditions. ClinVar contains an entry for this variant (Variation ID: 559646). Invitae Evidence Modeling of protein sequence and biophysical properties (such as structural, functional, and spatial information, amino acid conservation, physicochemical variation, residue mobility, and thermodynamic stability) has been performed for this missense variant. However, the output from this modeling did not meet the statistical confidence thresholds required to predict the impact of this variant on RYR1 protein function. This variant disrupts the p.Arg328 amino acid residue in RYR1. Other variant(s) that disrupt this residue have been determined to be pathogenic (PMID: 12883402). This suggests that this residue is clinically significant, and that variants that disrupt this residue are likely to be disease-causing. In summary, the available evidence is currently insufficient to determine the role of this variant in disease. Therefore, it has been classified as a Variant of Uncertain Significance.

ARUP Laboratories, Molecular Genetics and Genomics, ARUP Laboratories
Classification: Uncertain significance. Last evaluated: 2024-10-17. Review status: criteria provided, single submitter. Criteria: ARUP Molecular Germline Variant Investigation Process 2024. Collection method: clinical testing. Allele origin: germline.
Comment: The RYR1 c.983G>A; p.Arg328Gln variant (rs755875230), to our knowledge, is not reported in the medical literature but is reported in ClinVar (Variation ID: 559646). This variant is only observed on two alleles in the Genome Aggregation Database (v2.1.1), indicating it is not a common polymorphism. However, an alternative change at this amino acid location, (c.982C>T, p.Arg328Trp), has been reported in multiple individuals from a single family with malignant hyperthermia (Loke 2003). Computational analyses are uncertain whether Arg328Gln variant is neutral or deleterious (REVEL: 0.592). Due to limited information, the clinical significance of Arg328Gln variant is uncertain at this time. References: Loke JC et al. Detection of a novel ryanodine receptor subtype 1 mutation (R328W) in a malignant hyperthermia family by sequencing of a leukocyte transcript. Anesthesiology. 2003 Aug. PMID: 12883402.

Women's Health and Genetics/Laboratory Corporation of America, LabCorp
Classification: Uncertain significance. Last evaluated: 2024-07-30. Review status: criteria provided, single submitter. Criteria: LabCorp Variant Classification Summary - May 2015. Collection method: clinical testing. Allele origin: germline.
Comment: Variant summary: RYR1 c.983G>A (p.Arg328Gln) results in a conservative amino acid change located in the MIR motif (IPR016093) of the encoded protein sequence. Four of five in-silico tools predict a damaging effect of the variant on protein function. The variant allele was found at a frequency of 8e-06 in 251392 control chromosomes. The available data on variant occurrences in the general population are insufficient to allow any conclusion about variant significance. To our knowledge, no occurrence of c.983G>A in individuals affected with Congenital Multicore Myopathy With External Ophthalmoplegia and no experimental evidence demonstrating its impact on protein function have been reported. ClinVar contains an entry for this variant (Variation ID: 559646). Based on the evidence outlined above, the variant was classified as uncertain significance.

All of Us Research Program, National Institutes of Health
Classification: Uncertain significance for Malignant hyperthermia, susceptibility to, 1. Last evaluated: 2023-11-30. Review status: criteria provided, single submitter. Criteria: ACMG Guidelines, 2015. Collection method: clinical testing. Allele origin: germline. Inheritance: Autosomal dominant inheritance. Observed: 2 variant alleles, 2 heterozygotes.
Comment: This missense variant replaces arginine with glutamine at codon 328 of the RYR1 protein. Computational prediction is inconclusive regarding the impact of this variant on protein structure and function (internally defined REVEL score threshold 0.5 < inconclusive < 0.7, PMID: 27666373). To our knowledge, functional studies have not been reported for this variant. This variant has not been reported in individuals affected with RYR1-related disorders in the literature. This variant has been identified in 2/251392 chromosomes in the general population by the Genome Aggregation Database (gnomAD). A different missense variant occurring at the same codon, p.Arg328Trp, is known to be associated with malignant hyperthermia susceptibility (ClinVar Variation ID: 133245), indicating that arginine at this position is important for RYR1 function. Due to the insufficient evidence specific for the p.Arg328Gln, this variant is classified as a Variant of Uncertain Significance.

This study involves interpretation of variants in research participants for the purpose of population health screening. Participant phenotype was not available at the time of variant classification. Additional details can be found in publication PMID: 35346344, PMCID: PMC8962531

Blueprint Genetics
Classification: Uncertain significance. Last evaluated: 2023-07-19. Review status: criteria provided, single submitter. Criteria: ACMG Guidelines, 2015. Collection method: clinical testing. Allele origin: germline.

Revvity Omics, Revvity
Classification: Uncertain significance. Last evaluated: 2019-10-16. Review status: criteria provided, single submitter. Criteria: ACMG Guidelines, 2015. Collection method: clinical testing. Allele origin: germline.

Molecular Genetics Laboratory, BC Children's and BC Women's Hospitals
Classification: Likely pathogenic. Last evaluated: 2018-04-16. Review status: no assertion criteria provided. Criteria: ACMG Guidelines, 2015. Collection method: clinical testing. Allele origin: de novo. Not counted in ClinVar's aggregate classification.

Literature cited by the submitters: PubMed 12883402 (cited by Labcorp Genetics (formerly Invitae), Labcorp).